The following is an entry in ClinVar:

NM_020435.4(GJC2):c.268C>T (p.Pro90Ser)

Gene: GJC2 (gap junction protein gamma 2; plus strand). Cytogenetic location: 1q42.13.
Variant type: single nucleotide variant.
Coding change: c.268C>T on transcript NM_020435.4 (MANE Select); coding-DNA position 268, C replaced by T.
Protein change: p.Pro90Ser; replaces proline 90 with serine.
Molecular consequence: missense variant.
Genome position (GRCh38, 1-based): chr1:228,158,026, C>T. VCF-style: chr1-228158026-C-T. GRCh37 (hg19) VCF-style: chr1-228345727-C-T.
Other names: c.268C>T (NM_020435.3); short protein forms P90S.
Identifiers: ClinVar variation 2072 (VCV000002072.3), dbSNP rs74315312, ClinGen allele CA115332.

ClinVar aggregate classification (germline): Likely pathogenic. Review status: criteria provided, single submitter (1 of 4 stars). 2 submissions from 2 submitters: Likely pathogenic (1). 1 of the submissions does not count toward it. Last evaluated 2021-04-19.

Conditions:
Leukodystrophy, hypomyelinating, 2. Also called: PELIZAEUS-MERZBACHER-LIKE DISEASE, 1. Identifiers: Orphanet 280270, Orphanet 280282, MedGen C1837355, MONDO:0012125, OMIM 608804.

Allele frequency attached by ClinVar (database versions not stated): gnomAD exomes below 0.00001 and 0.00002; TOPMed 0.00001; gnomAD 0.00001; ExAC 0.00001.

Submissions (2):

Molecular Diagnostics Lab, Nemours Children's Health, Delaware
Classification: Likely pathogenic for Leukodystrophy, hypomyelinating, 2. Last evaluated: 2021-04-19. Review status: criteria provided, single submitter. Criteria: ACMG Guidelines, 2015. Collection method: clinical testing. Allele origin: unknown, maternal, biparental. Inheritance: Autosomal recessive inheritance. Affected: yes. Observed: 2 compound heterozygotes, 1 homozygote.
Comment: This missense variant (c.268C>T, p.Pro90Ser) has been observed at extremely low frequency in population databases (gnomAD), and has been reported in the literature (PMID 15192806, PMID 17344063). Variant prediction programs suggest a deleterious effect, and functional studies suppoort this (PMID 17344063).

OMIM
Classification: Pathogenic for LEUKODYSTROPHY, HYPOMYELINATING, 2. Last evaluated: 2007-04-01. Review status: no assertion criteria provided. Collection method: literature only. Allele origin: germline. Not counted in ClinVar's aggregate classification.

Literature cited by the submitters: PubMed 15192806 (cited by Molecular Diagnostics Lab, Nemours Children's Health, Delaware and OMIM); PubMed 17344063 (cited by Molecular Diagnostics Lab, Nemours Children's Health, Delaware and OMIM).